The following is an entry in ClinVar:

ClinVar aggregate classification (germline): Uncertain significance. Review status: criteria provided, multiple submitters, no conflicts (2 of 4 stars). 2 submissions from 2 submitters: Uncertain significance (2). Last evaluated 2025-12-03.

Conditions:
Inborn genetic diseases. Identifiers: MedGen C0950123, MeSH D030342.

Allele frequency attached by ClinVar (database versions not stated): gnomAD 0.00001; gnomAD exomes 0.00001; TOPMed below 0.00001; ExAC 0.00001.
gnomAD v4.1: 16 of 1,614,134 alleles (0.00099%); highest among the groups gnomAD compares: African/African-American, 0.0013%; no homozygotes.

Submissions (2):

Ambry Genetics
Classification: Uncertain significance for Inborn genetic diseases. Last evaluated: 2025-12-03. Review status: criteria provided, single submitter. Criteria: Ambry Variant Classification Scheme 2023. Collection method: clinical testing. Allele origin: germline.

GeneDx
Classification: Uncertain significance. Last evaluated: 2025-04-24. Review status: criteria provided, single submitter. Criteria: GeneDx Variant Classification Process June 2021. Collection method: clinical testing. Allele origin: germline. Affected: yes.
Comment: Not observed at significant frequency in large population cohorts (gnomAD); In silico analysis supports that this missense variant has a deleterious effect on protein structure/function; Has not been previously published as pathogenic or benign to our knowledge

NM_020745.4(AARS2):c.1696G>A (p.Ala566Thr)

Gene: AARS2 (alanyl-tRNA synthetase 2, mitochondrial; minus strand). Cytogenetic location: 6p21.1.
Variant type: single nucleotide variant.
Coding change: c.1696G>A on transcript NM_020745.4 (MANE Select); coding-DNA position 1696, G replaced by A.
Protein change: p.Ala566Thr; replaces alanine 566 with threonine.
Molecular consequence: missense variant.
Genome position (GRCh38, 1-based): chr6:44,304,701, C>T on the plus strand (G>A on the coding strand, the complement: AARS2 is on the minus strand). VCF-style: chr6-44304701-C-T. GRCh37 (hg19) VCF-style: chr6-44272438-C-T.
Other names: short protein forms A566T.
Identifiers: ClinVar variation 2501330 (VCV002501330.3), dbSNP rs764610166, ClinGen allele CA3834244.